The following is an entry in ClinVar:

ClinVar aggregate classification (germline): Uncertain significance (1 of 4 stars; one submission).

Submission:

GeneDx
Classification: Uncertain significance. Last evaluated: 2024-11-08. Review status: criteria provided, single submitter. Criteria: GeneDx Variant Classification Process June 2021. Collection method: clinical testing. Allele origin: germline.
Comment: Not observed at significant frequency in large population cohorts (gnomAD); In silico analysis supports that this missense variant has a deleterious effect on protein structure/function; Has not been previously published as pathogenic or benign to our knowledge

NM_001394998.1(TANC2):c.3127T>G (p.Phe1043Val)

Genes: TANC2 (tetratricopeptide repeat, ankyrin repeat and coiled-coil containing 2; plus strand), LOC105371856 (uncharacterized LOC105371856; minus strand). Cytogenetic location: 17q23.3.
Variant type: single nucleotide variant.
Coding change: c.3127T>G on transcript NM_001394998.1 (MANE Select); coding-DNA position 3127, T replaced by G.
Protein change: p.Phe1043Val; replaces phenylalanine 1043 with valine.
Molecular consequence: missense variant.
Genome position (GRCh38, 1-based): chr17:63,395,818, T>G. VCF-style: chr17-63395818-T-G. GRCh37 (hg19) VCF-style: chr17-61473179-T-G.
Other names: c.2905T>G, p.Phe969Val (NM_001411076.1, NM_025185.4); short protein forms F1043V, F969V.
Identifiers: ClinVar variation 3361247 (VCV003361247.2).